The following is an entry in ClinVar:

ClinVar aggregate classification (germline): Uncertain significance (1 of 4 stars; one submission).

Conditions:
Inosine triphosphatase deficiency. Also called: INOSINE TRIPHOSPHATE PYROPHOSPHOHYDROLASE DEFICIENCY. Identifiers: MedGen C0342800, MONDO:0013461, OMIM 613850.

Allele frequency attached by ClinVar (database versions not stated): gnomAD exomes 0.00001 and 0.00003; ExAC 0.00002; gnomAD 0.00009 and 0.00011; TOPMed 0.00011; ESP Exome Variant Server 0.00015.
gnomAD v4.1: 26 of 1,613,474 alleles (0.0016%); highest among the groups gnomAD compares: African/African-American, 0.031%; no homozygotes.

Submission:

Labcorp Genetics (formerly Invitae), Labcorp
Classification: Uncertain significance for Inosine triphosphatase deficiency. Last evaluated: 2022-08-01. Review status: criteria provided, single submitter. Criteria: Invitae Variant Classification Sherloc (09022015). Collection method: clinical testing. Allele origin: germline.
Comment: This sequence change falls in intron 1 of the ITPA gene. It does not directly change the encoded amino acid sequence of the ITPA protein. It affects a nucleotide within the consensus splice site. This variant is present in population databases (rs367746086, gnomAD 0.04%). This variant has not been reported in the literature in individuals affected with ITPA-related conditions. ClinVar contains an entry for this variant (Variation ID: 533424). Variants that disrupt the consensus splice site are a relatively common cause of aberrant splicing (PMID: 17576681, 9536098). Algorithms developed to predict the effect of sequence changes on RNA splicing suggest that this variant is not likely to affect RNA splicing. In summary, the available evidence is currently insufficient to determine the role of this variant in disease. Therefore, it has been classified as a Variant of Uncertain Significance.

Literature cited by the submitters: PubMed 17576681; PubMed 9536098.

NM_033453.4(ITPA):c.66+5C>T

Gene: ITPA (inosine triphosphatase; plus strand). Cytogenetic location: 20p13.
Variant type: single nucleotide variant.
Coding change: c.66+5C>T on transcript NM_033453.4 (MANE Select); 5 bases into the intron after coding-DNA position 66, C replaced by T.
Molecular consequence: intron variant.
Genome position (GRCh38, 1-based): chr20:3,209,622, C>T. VCF-style: chr20-3209622-C-T. GRCh37 (hg19) VCF-style: chr20-3190268-C-T.
Other names: c.-272+589C>T (NM_001324237.2); c.-275+589C>T (NM_001324238.2); c.66+5C>T (NM_001324240.2, NM_001267623.2); c.-275+5C>T (NM_001324236.2); c.15+56C>T (NM_181493.4); c.-275+87C>T (NM_001351739.2).
Identifiers: ClinVar variation 533424 (VCV000533424.6), dbSNP rs367746086, ClinGen allele CA9741121.